The following is an entry in ClinVar:

ClinVar aggregate classification (germline): Benign/Likely benign. Review status: criteria provided, multiple submitters, no conflicts (2 of 4 stars). 3 submissions from 3 submitters: Benign (1); Likely benign (2). Last evaluated 2026-01-20.

Conditions:
Cardiovascular phenotype. Identifiers: MedGen CN230736.

Allele frequency attached by ClinVar (database versions not stated): gnomAD exomes 0.00002; gnomAD 0.00004; TOPMed 0.00005; ExAC 0.00012; 1000 Genomes Project 0.00020; 1000 Genomes Project 30x 0.00031.
gnomAD v4.1: 42 of 1,613,728 alleles (0.0026%); highest among the groups gnomAD compares: East Asian, 0.078%; 1 homozygote.

Submissions (3):

Labcorp Genetics (formerly Invitae), Labcorp
Classification: Benign. Last evaluated: 2026-01-20. Review status: criteria provided, single submitter. Criteria: Invitae Variant Classification Sherloc (09022015). Collection method: clinical testing. Allele origin: germline.

CeGaT Center for Human Genetics Tuebingen
Classification: Likely benign. Last evaluated: 2022-08-01. Review status: criteria provided, single submitter. Criteria: CeGaT Center For Human Genetics Tuebingen Variant Classification Criteria Version 2. Collection method: clinical testing. Allele origin: germline. Affected: yes. Observed: 1 variant allele.
Comment: TNXB: BP4, BP7

Ambry Genetics
Classification: Likely benign for Cardiovascular phenotype. Last evaluated: 2020-03-30. Review status: criteria provided, single submitter. Criteria: Ambry Variant Classification Scheme 2023. Collection method: clinical testing. Allele origin: germline.

NM_001365276.2(TNXB):c.9000C>T (p.Gly3000=)

Gene: TNXB (tenascin XB; minus strand). Cytogenetic location: 6p21.33.
Variant type: single nucleotide variant.
Coding change: c.9000C>T on transcript NM_001365276.2 (MANE Select); coding-DNA position 9000, C replaced by T.
Protein change: p.Gly3000=; no amino-acid change (glycine 3000 retained).
Molecular consequence: synonymous variant.
Genome position (GRCh38, 1-based): chr6:32,052,785, G>A on the plus strand (C>T on the coding strand, the complement: TNXB is on the minus strand). VCF-style: chr6-32052785-G-A. GRCh37 (hg19) VCF-style: chr6-32020562-G-A.
Other names: c.8994C>T, p.Gly2998= (NM_019105.8).
Identifiers: ClinVar variation 1765364 (VCV001765364.27), dbSNP rs375459891, ClinGen allele CA3733683.
Genomic context (GRCh38, chr6:32,052,785, plus strand): 5'-CAGGTGCATCTTGTATTTGCACCCGGGCTCCAGGCCCCCCACGGTGACCTCGCTCTCCTC[G>A]CCCCTGACACGCACCACCTGGGGCCGCCCGTCCCTGTCCTTGTACTGCACAGTGAAGGAG-3'
Protein context (NP_001352205.1, residues 2990-3010): DGRPQVVRVR[Gly3000=]EESEVTVGGL